The following is an entry in ClinVar:

NM_002524.5(NRAS):c.*3219C>G

Gene: NRAS (NRAS proto-oncogene, GTPase; minus strand). Cytogenetic location: 1p13.2.
Variant type: single nucleotide variant.
Coding change: c.*3219C>G on transcript NM_002524.5 (MANE Select); 3219 bases downstream of the stop codon, C replaced by G.
Molecular consequence: 3 prime UTR variant.
Genome position (GRCh38, 1-based): chr1:114,704,875, G>C on the plus strand (C>G on the coding strand, the complement: NRAS is on the minus strand). VCF-style: chr1-114704875-G-C. GRCh37 (hg19) VCF-style: chr1-115247496-G-C.
Identifiers: ClinVar variation 291944 (VCV000291944.5), dbSNP rs72994441, ClinGen allele CA10607576.

ClinVar aggregate classification (germline): Likely benign (1 of 4 stars; one submission).

Conditions:
Noonan syndrome 6 (NS6). Also called: NRAS-Related Noonan Syndrome. Identifiers: Orphanet 648, MedGen C2750732, MONDO:0013186, OMIM 613224.

Allele frequency attached by ClinVar (database versions not stated): TOPMed 0.00349; gnomAD 0.00355 and 0.00379; 1000 Genomes Project 30x 0.00390; 1000 Genomes Project 0.00419.

Submission:

Illumina Laboratory Services, Illumina
Classification: Likely benign for Noonan syndrome 6. Last evaluated: 2018-01-12. Review status: criteria provided, single submitter. Criteria: ICSL Variant Classification Criteria 13 December 2019. Collection method: clinical testing. Allele origin: germline.
Comment: This variant was observed in the ICSL laboratory as part of a predisposition screen in an ostensibly healthy population. It had not been previously curated by ICSL or reported in the Human Gene Mutation Database (HGMD: prior to June 1st, 2018), and was therefore a candidate for classification through an automated scoring system. Utilizing variant allele frequency, disease prevalence and penetrance estimates, and inheritance mode, an automated score was calculated to assess if this variant is too frequent to cause the disease. Based on the score and internal cut-off values, a variant classified as likely benign is not then subjected to further curation. The score for this variant resulted in a classification of likely benign for this disease.